The following is an entry in ClinVar:

NM_001079843.3(CASZ1):c.58G>A (p.Ala20Thr)

Gene: CASZ1 (castor zinc finger 1; minus strand). Cytogenetic location: 1p36.22.
Variant type: single nucleotide variant.
Coding change: c.58G>A on transcript NM_001079843.3 (MANE Select); coding-DNA position 58, G replaced by A.
Protein change: p.Ala20Thr; replaces alanine 20 with threonine.
Molecular consequence: missense variant.
Genome position (GRCh38, 1-based): chr1:10,665,530, C>T on the plus strand (G>A on the coding strand, the complement: CASZ1 is on the minus strand). VCF-style: chr1-10665530-C-T. GRCh37 (hg19) VCF-style: chr1-10725587-C-T.
Other names: c.58G>A, p.Ala20Thr (NM_017766.5); short protein forms A20T.
Identifiers: ClinVar variation 1651971 (VCV001651971.33), dbSNP rs76910492, ClinGen allele CA585545.

ClinVar aggregate classification (germline): Benign. Review status: criteria provided, multiple submitters, no conflicts (2 of 4 stars). 3 submissions from 3 submitters: Benign (3). Last evaluated 2026-09-01.

Allele frequency attached by ClinVar (database versions not stated): 1000 Genomes Project 0.00519; 1000 Genomes Project 30x 0.00593; ESP Exome Variant Server 0.01060.
gnomAD v4.1: 18,829 of 1,593,612 alleles (1.2%); highest among the groups gnomAD compares: Middle Eastern, 2.4%; 155 homozygotes.

Submissions (3):

CeGaT Center for Human Genetics Tuebingen
Classification: Benign. Last evaluated: 2026-09-01. Review status: criteria provided, single submitter. Criteria: CeGaT Center For Human Genetics Tuebingen Variant Classification Criteria Version 2. Collection method: clinical testing. Allele origin: germline. Affected: yes. Observed: 29 variant alleles.
Comment: CASZ1: BP4, BS1, BS2

Labcorp Genetics (formerly Invitae), Labcorp
Classification: Benign. Last evaluated: 2026-01-21. Review status: criteria provided, single submitter. Criteria: Invitae Variant Classification Sherloc (09022015). Collection method: clinical testing. Allele origin: germline.

Breakthrough Genomics
Classification: Benign. Review status: criteria provided, single submitter. Criteria: ACMG Guidelines, 2015. Collection method: not provided. Allele origin: germline. Inheritance: Unknown mechanism. Affected: yes.